The following is an entry in ClinVar:

ClinVar aggregate classification (germline): Likely pathogenic. Review status: no assertion criteria provided (0 of 4 stars). 2 submissions from 2 submitters: Likely pathogenic (1). 1 of the submissions does not count toward it. Last evaluated 2021-04-06.

Submissions (2):

Leiden Open Variation Database
Classification: Likely pathogenic. Last evaluated: 2021-04-06. Review status: no assertion criteria provided. Collection method: curation. Allele origin: germline. Affected: yes.
Comment: Curator: Global Variome, with Curator vacancy. Submitter to LOVD: Manon Peeters.

Retina International
No classification provided. Review status: no classification provided. Collection method: not provided. Allele origin: not provided. Not counted in ClinVar's aggregate classification.

Literature cited by the submitters: PubMed 8912967 (cited by Leiden Open Variation Database).

NM_000322.5(PRPH2):c.599T>A (p.Val200Glu)

Gene: PRPH2 (peripherin 2; minus strand). Cytogenetic location: 6p21.1.
Variant type: single nucleotide variant.
Coding change: c.599T>A on transcript NM_000322.5 (MANE Select); coding-DNA position 599, T replaced by A.
Protein change: p.Val200Glu; replaces valine 200 with glutamic acid.
Molecular consequence: missense variant.
Genome position (GRCh38, 1-based): chr6:42,704,594, A>T on the plus strand (T>A on the coding strand, the complement: PRPH2 is on the minus strand). VCF-style: chr6-42704594-A-T. GRCh37 (hg19) VCF-style: chr6-42672332-A-T.
Other names: short protein forms V200E.
Identifiers: ClinVar variation 98682 (VCV000098682.2), dbSNP rs62645932, ClinGen allele CA226261.